The following is an entry in ClinVar:

ClinVar aggregate classification (germline): Uncertain significance (1 of 4 stars; one submission).

Allele frequency attached by ClinVar (database versions not stated): gnomAD exomes below 0.00001; gnomAD 0.00001.
gnomAD v4.1: 3 of 1,613,418 alleles (0.00019%); highest among the groups gnomAD compares: Admixed American, 0.005%; no homozygotes.

Submission:

Ambry Genetics
Classification: Uncertain significance. Last evaluated: 2023-05-28. Review status: criteria provided, single submitter. Criteria: Ambry Variant Classification Scheme 2023. Collection method: clinical testing. Allele origin: germline.
Comment: The p.S2007N variant (also known as c.6020G>A), located in coding exon 19 of the POLQ gene, results from a G to A substitution at nucleotide position 6020. The serine at codon 2007 is replaced by asparagine, an amino acid with highly similar properties. This amino acid position is conserved. In addition, this alteration is predicted to be tolerated by in silico analysis. Since supporting evidence is limited at this time, the clinical significance of this alteration remains unclear.

NM_199420.4(POLQ):c.6020G>A (p.Ser2007Asn)

Gene: POLQ (DNA polymerase theta; minus strand). Cytogenetic location: 3q13.33.
Variant type: single nucleotide variant.
Coding change: c.6020G>A on transcript NM_199420.4 (MANE Select); coding-DNA position 6020, G replaced by A.
Protein change: p.Ser2007Asn; replaces serine 2007 with asparagine.
Molecular consequence: missense variant.
Genome position (GRCh38, 1-based): chr3:121,481,763, C>T on the plus strand (G>A on the coding strand, the complement: POLQ is on the minus strand). VCF-style: chr3-121481763-C-T. GRCh37 (hg19) VCF-style: chr3-121200610-C-T.
Other names: short protein forms S2007N.
Identifiers: ClinVar variation 2563873 (VCV002563873.2), dbSNP rs1159475901, ClinGen allele CA354088179.